The following is an entry in ClinVar:

NM_001201543.2(FAM161A):c.1393G>A (p.Ala465Thr)

Gene: FAM161A (FAM161 centrosomal protein A; minus strand). Cytogenetic location: 2p15.
Variant type: single nucleotide variant.
Coding change: c.1393G>A on transcript NM_001201543.2 (MANE Select); coding-DNA position 1393, G replaced by A.
Protein change: p.Ala465Thr; replaces alanine 465 with threonine.
Molecular consequence: missense variant. On other transcripts: non-coding transcript variant (1).
Genome position (GRCh38, 1-based): chr2:61,839,611, C>T on the plus strand (G>A on the coding strand, the complement: FAM161A is on the minus strand). VCF-style: chr2-61839611-C-T. GRCh37 (hg19) VCF-style: chr2-62066746-C-T.
Other names: c.1393G>A, p.Ala465Thr (NM_032180.3); short protein forms A465T.
Identifiers: ClinVar variation 1952107 (VCV001952107.2), dbSNP rs2466023240, ClinGen allele CA346986621.

ClinVar aggregate classification (germline): Uncertain significance (1 of 4 stars; one submission).

Allele frequency attached by ClinVar (database versions not stated): gnomAD exomes 0.00001.
gnomAD v4.1: 9 of 1,614,192 alleles (0.00056%); highest among the groups gnomAD compares: Non-Finnish European, 0.00076%; no homozygotes.

Submission:

Labcorp Genetics (formerly Invitae), Labcorp
Classification: Uncertain significance. Last evaluated: 2022-08-22. Review status: criteria provided, single submitter. Criteria: Invitae Variant Classification Sherloc (09022015). Collection method: clinical testing. Allele origin: germline.
Comment: This sequence change replaces alanine, which is neutral and non-polar, with threonine, which is neutral and polar, at codon 465 of the FAM161A protein (p.Ala465Thr). This variant is not present in population databases (gnomAD no frequency). This variant has not been reported in the literature in individuals affected with FAM161A-related conditions. Algorithms developed to predict the effect of missense changes on protein structure and function output the following: SIFT: "Tolerated"; PolyPhen-2: "Benign"; Align-GVGD: "Class C0". The threonine amino acid residue is found in multiple mammalian species, which suggests that this missense change does not adversely affect protein function. In summary, the available evidence is currently insufficient to determine the role of this variant in disease. Therefore, it has been classified as a Variant of Uncertain Significance.